The following is an entry in ClinVar:

ClinVar aggregate classification (germline): Uncertain significance (1 of 4 stars; one submission).

Submission:

GeneDx
Classification: Uncertain significance. Last evaluated: 2022-04-20. Review status: criteria provided, single submitter. Criteria: GeneDx Variant Classification Process June 2021. Collection method: clinical testing. Allele origin: germline. Affected: yes.
Comment: Not observed at significant frequency in large population cohorts (gnomAD); In silico analysis supports that this missense variant has a deleterious effect on protein structure/function; Has not been previously published as pathogenic or benign to our knowledge

NM_002585.4(PBX1):c.542A>G (p.Asn181Ser)

Gene: PBX1 (PBX homeobox 1; plus strand). Cytogenetic location: 1q23.3.
Variant type: single nucleotide variant.
Coding change: c.542A>G on transcript NM_002585.4 (MANE Select); coding-DNA position 542, A replaced by G.
Protein change: p.Asn181Ser; replaces asparagine 181 with serine.
Molecular consequence: missense variant.
Genome position (GRCh38, 1-based): chr1:164,799,730, A>G. VCF-style: chr1-164799730-A-G. GRCh37 (hg19) VCF-style: chr1-164768967-A-G.
Other names: c.542A>G, p.Asn181Ser (NM_001204961.2, NM_001204963.2, NM_001353131.2); c.293A>G, p.Asn98Ser (NM_001353130.1); short protein forms N181S, N98S.
Identifiers: ClinVar variation 1722912 (VCV001722912.2), dbSNP rs2526809100, ClinGen allele CA343470757.
Genomic context (GRCh38, chr1:164,799,730, plus strand): 5'-TGACGGTGTTGATTGTCCTGCCATTCCAGGCCTGCAACGAGTTCACCACCCACGTGATGA[A>G]TCTCCTGCGAGAGCAAAGCCGGACCAGGCCCATCTCCCCAAAGGAGATTGAGCGGATGGT-3'
Protein context (NP_002576.1, residues 171-191): ACNEFTTHVM[Asn181Ser]LLREQSRTRP